The following is an entry in ClinVar:

NM_020778.5(ALPK3):c.4223G>A (p.Ser1408Asn)

Gene: ALPK3 (alpha kinase 3; plus strand). Cytogenetic location: 15q25.3.
Variant type: single nucleotide variant.
Coding change: c.4223G>A on transcript NM_020778.5 (MANE Select); coding-DNA position 4223, G replaced by A.
Protein change: p.Ser1408Asn; replaces serine 1408 with asparagine.
Molecular consequence: missense variant.
Genome position (GRCh38, 1-based): chr15:84,862,728, G>A. VCF-style: chr15-84862728-G-A. GRCh37 (hg19) VCF-style: chr15-85405959-G-A.
Other names: p.Ser1610Asn; c.4829G>A (NM_020778.4); short protein forms S1408N.
Identifiers: ClinVar variation 1522333 (VCV001522333.11), dbSNP rs199741089, ClinGen allele CA273631319.

ClinVar aggregate classification (germline): Uncertain significance. Review status: criteria provided, multiple submitters, no conflicts (2 of 4 stars). 3 submissions from 3 submitters: Uncertain significance (3). Last evaluated 2025-12-26.

Conditions:
Cardiovascular phenotype. Identifiers: MedGen CN230736.

Allele frequency attached by ClinVar (database versions not stated): gnomAD exomes below 0.00001; 1000 Genomes Project 30x 0.00016; 1000 Genomes Project 0.00020.
gnomAD v4.1: 9 of 1,614,204 alleles (0.00056%); highest among the groups gnomAD compares: Admixed American, 0.012%; no homozygotes.

Submissions (3):

Labcorp Genetics (formerly Invitae), Labcorp
Classification: Uncertain significance. Last evaluated: 2025-12-26. Review status: criteria provided, single submitter. Criteria: Invitae Variant Classification Sherloc (09022015). Collection method: clinical testing. Allele origin: germline.
Comment: This sequence change replaces serine, which is neutral and polar, with asparagine, which is neutral and polar, at codon 1610 of the ALPK3 protein (p.Ser1610Asn). This variant is present in population databases (rs199741089, gnomAD 0.003%). This variant has not been reported in the literature in individuals affected with ALPK3-related conditions. ClinVar contains an entry for this variant (Variation ID: 1522333). Invitae Evidence Modeling of protein sequence and biophysical properties (such as structural, functional, and spatial information, amino acid conservation, physicochemical variation, residue mobility, and thermodynamic stability) indicates that this missense variant is expected to disrupt ALPK3 protein function with a positive predictive value of 80%. In summary, the available evidence is currently insufficient to determine the role of this variant in disease. Therefore, it has been classified as a Variant of Uncertain Significance.

Ambry Genetics
Classification: Uncertain significance for Cardiovascular phenotype. Last evaluated: 2025-02-23. Review status: criteria provided, single submitter. Criteria: Ambry Variant Classification Scheme 2023. Collection method: clinical testing. Allele origin: germline.
Comment: The p.S1610N variant (also known as c.4829G>A), located in coding exon 10 of the ALPK3 gene, results from a G to A substitution at nucleotide position 4829. The serine at codon 1610 is replaced by asparagine, an amino acid with highly similar properties. This amino acid position is conserved. In addition, this alteration is predicted to be tolerated by in silico analysis. Based on the available evidence, the clinical significance of this variant remains unclear.

Mayo Clinic Laboratories, Mayo Clinic
Classification: Uncertain significance. Last evaluated: 2024-07-31. Review status: criteria provided, single submitter. Criteria: ACMG Guidelines, 2015. Collection method: clinical testing. Allele origin: germline. Observed: 1 variant allele.
Comment: BP4, PM2